The following is an entry in ClinVar:

ClinVar aggregate classification (germline): Uncertain significance (1 of 4 stars; one submission).

Conditions:
Hypercholesterolemia, autosomal dominant, type B (FHCL2). Also called: APOB-Related Familial Hypercholesterolemia, Autosomal Dominant; Familial Hypercholesterolemia Type B; APOLIPOPROTEIN B-100, FAMILIAL DEFECTIVE; APOLIPOPROTEIN B-100, FAMILIAL LIGAND-DEFECTIVE; HYPERCHOLESTEROLEMIA, FAMILIAL, DUE TO LIGAND-DEFECTIVE APOLIPOPROTEIN B; Hyperlipoproteinemia Type IIb. Identifiers: MedGen C1704417, MONDO:0007751, OMIM 144010.
Familial hypobetalipoproteinemia 1. Also called: Hypobetalipoproteinemia, normotriglyceridemic; Acanthocytosis with hypobetalipoproteinemia; APOB-Related Familial Hypobetalipoproteinemia. Identifiers: MedGen C4551990, MONDO:0014252, OMIM 615558.

Allele frequency attached by ClinVar (database versions not stated): gnomAD exomes below 0.00001.
gnomAD v4.1: 1 of 1,614,104 alleles (0.000062%); highest among the groups gnomAD compares: Middle Eastern, 0.016%; no homozygotes.

Submission:

Labcorp Genetics (formerly Invitae), Labcorp
Classification: Uncertain significance for Familial hypobetalipoproteinemia 1; Hypercholesterolemia, autosomal dominant, type B. Last evaluated: 2024-07-24. Review status: criteria provided, single submitter. Criteria: Invitae Variant Classification Sherloc (09022015). Collection method: clinical testing. Allele origin: germline.
Comment: This sequence change replaces arginine, which is basic and polar, with glycine, which is neutral and non-polar, at codon 3020 of the APOB protein (p.Arg3020Gly). This variant is not present in population databases (gnomAD no frequency). This variant has not been reported in the literature in individuals affected with APOB-related conditions. Advanced modeling of protein sequence and biophysical properties (such as structural, functional, and spatial information, amino acid conservation, physicochemical variation, residue mobility, and thermodynamic stability) performed at Invitae indicates that this missense variant is not expected to disrupt APOB protein function with a negative predictive value of 95%. In summary, the available evidence is currently insufficient to determine the role of this variant in disease. Therefore, it has been classified as a Variant of Uncertain Significance.

NM_000384.3(APOB):c.9058A>G (p.Arg3020Gly)

Gene: APOB (apolipoprotein B; minus strand). Cytogenetic location: 2p24.1.
Variant type: single nucleotide variant.
Coding change: c.9058A>G on transcript NM_000384.3 (MANE Select); coding-DNA position 9058, A replaced by G.
Protein change: p.Arg3020Gly; replaces arginine 3020 with glycine.
Molecular consequence: missense variant.
Genome position (GRCh38, 1-based): chr2:21,007,810, T>C on the plus strand (A>G on the coding strand, the complement: APOB is on the minus strand). VCF-style: chr2-21007810-T-C. GRCh37 (hg19) VCF-style: chr2-21230682-T-C.
Other names: short protein forms R3020G.
Identifiers: ClinVar variation 2922457 (VCV002922457.3), dbSNP rs2465364165, ClinGen allele CA345992531.